The following is an entry in ClinVar:

ClinVar aggregate classification (germline): Uncertain significance (1 of 4 stars; one submission).

Conditions:
Hereditary cancer-predisposing syndrome. Also called: Neoplastic Syndromes, Hereditary; Tumor predisposition; Hereditary neoplastic syndrome; Hereditary Cancer Syndrome. Identifiers: Orphanet 140162, MedGen C0027672, MeSH D009386, MONDO:0015356.

Submission:

Ambry Genetics
Classification: Uncertain significance for Hereditary cancer-predisposing syndrome. Last evaluated: 2026-08-08. Review status: criteria provided, single submitter. Criteria: Ambry Variant Classification Scheme 2023. Collection method: clinical testing. Allele origin: germline.
Comment: The p.G280R variant (also known as c.838G>C), located in coding exon 6 of the NTHL1 gene, results from a G to C substitution at nucleotide position 838. The glycine at codon 280 is replaced by arginine, an amino acid with dissimilar properties. This amino acid position is conserved. In addition, the in silico prediction for this alteration is inconclusive. Based on the available evidence, the clinical significance of this variant remains unclear.

NM_002528.7(NTHL1):c.814G>C (p.Gly272Arg)

Gene: NTHL1 (nth like DNA glycosylase 1; minus strand). Cytogenetic location: 16p13.3.
Variant type: single nucleotide variant.
Coding change: c.814G>C on transcript NM_002528.7 (MANE Select); coding-DNA position 814, G replaced by C.
Protein change: p.Gly272Arg; replaces glycine 272 with arginine.
Molecular consequence: missense variant.
Genome position (GRCh38, 1-based): chr16:2,040,025, C>G on the plus strand (G>C on the coding strand, the complement: NTHL1 is on the minus strand). VCF-style: chr16-2040025-C-G. GRCh37 (hg19) VCF-style: chr16-2090026-C-G.
Other names: c.643G>C, p.Gly215Arg (NM_001318193.2); c.484G>C, p.Gly162Arg (NM_001318194.2); short protein forms G272R, G162R, G215R.
Identifiers: ClinVar variation 5025918 (VCV005025918.1).